The following is an entry in ClinVar:

NM_001134407.3(GRIN2A):c.4259A>G (p.Asn1420Ser)

Gene: GRIN2A (glutamate ionotropic receptor NMDA type subunit 2A; minus strand). Cytogenetic location: 16p13.2.
Variant type: single nucleotide variant.
Coding change: c.4259A>G on transcript NM_001134407.3 (MANE Select); coding-DNA position 4259, A replaced by G.
Protein change: p.Asn1420Ser; replaces asparagine 1420 with serine.
Molecular consequence: missense variant. On other transcripts: 3 prime UTR variant (1).
Genome position (GRCh38, 1-based): chr16:9,763,285, T>C on the plus strand (A>G on the coding strand, the complement: GRIN2A is on the minus strand). VCF-style: chr16-9763285-T-C. GRCh37 (hg19) VCF-style: chr16-9857142-T-C.
Other names: c.4259A>G, p.Asn1420Ser (NM_000833.5); c.*70A>G (NM_001134408.2); short protein forms N1420S.
Identifiers: ClinVar variation 567877 (VCV000567877.15), dbSNP rs775911833, ClinGen allele CA7896187.

ClinVar aggregate classification (germline): Likely benign. Review status: criteria provided, multiple submitters, no conflicts (2 of 4 stars). 2 submissions from 2 submitters: Likely benign (2). Last evaluated 2025-10-21.

Conditions:
Landau-Kleffner syndrome (FESD). Also called: EPILEPSY, FOCAL, WITH SPEECH DISORDER AND WITH OR WITHOUT MENTAL RETARDATION; APHASIA, ACQUIRED, WITH EPILEPSY. Identifiers: Orphanet 1945, Orphanet 725, Orphanet 98818, MedGen C0282512, MONDO:0009509, OMIM 245570.

Allele frequency attached by ClinVar (database versions not stated): TOPMed 0.00006; ExAC 0.00006; gnomAD exomes 0.00005 and 0.00006.
gnomAD v4.1: 81 of 1,614,000 alleles (0.005%); highest among the groups gnomAD compares: South Asian, 0.042%; 1 homozygote.

Submissions (2):

Labcorp Genetics (formerly Invitae), Labcorp
Classification: Likely benign for Landau-Kleffner syndrome. Last evaluated: 2025-10-21. Review status: criteria provided, single submitter. Criteria: Invitae Variant Classification Sherloc (09022015). Collection method: clinical testing. Allele origin: germline.

CeGaT Center for Human Genetics Tuebingen
Classification: Likely benign. Last evaluated: 2025-10-01. Review status: criteria provided, single submitter. Criteria: CeGaT Center For Human Genetics Tuebingen Variant Classification Criteria Version 2. Collection method: clinical testing. Allele origin: germline. Affected: yes. Observed: 1 variant allele.
Comment: GRIN2A: BP4, BS2